The following is an entry in ClinVar:

ClinVar aggregate classification (germline): Uncertain significance. Review status: criteria provided, multiple submitters, no conflicts (2 of 4 stars). 6 submissions from 6 submitters: Uncertain significance (6). Last evaluated 2025-08-12.

Conditions:
Primary familial dilated cardiomyopathy (FDC). Also called: Hypokinetic dilated cardiomyopathy, familial; Familial dilated cardiomyopathy. Identifiers: Orphanet 217607, MedGen C0340427, MONDO:0016333.
Myofibrillar myopathy 4. Also called: Zaspopathy (type). Identifiers: Orphanet 98912, MedGen C4721886, MONDO:0012277, OMIM 609452.
Dilated cardiomyopathy 1C (CMD1C). Also called: CARDIOMYOPATHY, DILATED, 1C, WITH OR WITHOUT LEFT VENTRICULAR NONCOMPACTION; Cardiomyopathy, dilated, 1C, with or without LVNC. Identifiers: Orphanet 154, Orphanet 54260, MedGen C1832244, MONDO:0011094, OMIM 601493.

Allele frequency attached by ClinVar (database versions not stated): ExAC 0.00002; TOPMed 0.00003; gnomAD 0.00005; gnomAD exomes 0.00002 and 0.00009.
gnomAD v4.1: 132 of 1,614,140 alleles (0.0082%); highest among the groups gnomAD compares: Non-Finnish European, 0.011%; no homozygotes.

Submissions (6):

GeneDx
Classification: Uncertain significance. Last evaluated: 2025-08-12. Review status: criteria provided, single submitter. Criteria: GeneDx Variant Classification Process June 2021. Collection method: clinical testing. Allele origin: germline. Affected: yes.
Comment: Has not been previously published as pathogenic or benign to our knowledge; In silico analysis supports that this missense variant has a deleterious effect on protein structure/function

Labcorp Genetics (formerly Invitae), Labcorp
Classification: Uncertain significance for Myofibrillar myopathy 4. Last evaluated: 2025-04-23. Review status: criteria provided, single submitter. Criteria: Invitae Variant Classification Sherloc (09022015). Collection method: clinical testing. Allele origin: germline.
Comment: This sequence change replaces proline, which is neutral and non-polar, with threonine, which is neutral and polar, at codon 124 of the LDB3 protein (p.Pro124Thr). This variant is present in population databases (rs755513516, gnomAD 0.005%). This missense change has been observed in individual(s) with clinical features of LDB3-related conditions (internal data). ClinVar contains an entry for this variant (Variation ID: 201860). An algorithm developed to predict the effect of missense changes on protein structure and function (PolyPhen-2) suggests that this variant is likely to be tolerated. In summary, the available evidence is currently insufficient to determine the role of this variant in disease. Therefore, it has been classified as a Variant of Uncertain Significance.

Women's Health and Genetics/Laboratory Corporation of America, LabCorp
Classification: Uncertain significance. Last evaluated: 2024-12-30. Review status: criteria provided, single submitter. Criteria: LabCorp Variant Classification Summary - May 2015. Collection method: clinical testing. Allele origin: germline.
Comment: Variant summary: LDB3 c.690-4802C>A, also known as NM_001080116:c.370C>A (p.Pro124Thr), is located at a position not widely known to affect splicing. The variant allele was found at a frequency of 8.2e-05 in 1614140 control chromosomes, predominantly at a frequency of 0.00011 within the Non-Finnish European subpopulation in the gnomAD database. The observed variant frequency within Non-Finnish European control individuals in the gnomAD database is approximately 1.47 fold of the estimated maximal expected allele frequency (MPAF) for a pathogenic variant in LDB3 causing Hypertrophic Cardiomyopathy phenotype (7.5e-05). However, the frequency of this variant does not exceed the universal MPAF for autosomal dominant conditions (0.001) and our laboratory currently has insufficient data to determine an MPAF for myofibrillar myopathy associated with the alternate transcript. To our knowledge, no occurrence of c.690-4802C>A in individuals affected with LDB3-related conditions and no experimental evidence demonstrating its impact on protein function have been reported. ClinVar contains an entry for this variant (Variation ID: 201860). Based on the evidence outlined above, the variant was classified as uncertain significance.

Victorian Clinical Genetics Services, Murdoch Childrens Research Institute
Classification: Uncertain significance for Dilated cardiomyopathy 1C. Last evaluated: 2021-05-06. Review status: criteria provided, single submitter. Criteria: ACMG Guidelines, 2015. Collection method: clinical testing. Allele origin: germline. Inheritance: Autosomal dominant inheritance. Affected: yes.
Comment: Based on the classification scheme VCGS_Germline_v1.3.4, this variant is classified as VUS-3B. Following criteria are met: 0105 - The mechanism of disease for this gene is not clearly established. (I) 0107 - This gene is associated with autosomal dominant disease. (I) 0200 - Variant is predicted to result in a missense amino acid change from proline to threonine. (I) 0219 - This variant is non-coding in alternative transcripts, including the predominantly reported in ClinVar, NM_007078.3, which has higher expression in heart tissues (GTEx). However, it is coding in other transcripts expressed in cardiac tissue (GTEx). (I) 0251 - This variant is heterozygous. (I) 0302 - Variant is present in gnomAD (v3) <0.001 for a dominant condition (7 heterozygotes, 0 homozygotes). (SP) 0502 - Missense variant with conflicting in silico predictions and uninformative conservation. (I) 0604 - Variant is not located in an established domain, motif, hotspot or informative constraint region. (I) 0705 - No comparable missense variants have previous evidence for pathogenicity. (I) 0809 - Previous evidence of pathogenicity for this variant is inconclusive. It has been reported as a VUS in ClinVar. (I) 0905 - No published segregation evidence has been identified for this variant. (I) 1007 - No published functional evidence has been identified for this variant. (I) 1208 - Inheritance information for this variant is not currently available in this individual. (I) Legend: (SP) - Supporting pathogenic, (I) - Information, (SB) - Supporting benign

Revvity Omics, Revvity
Classification: Uncertain significance. Last evaluated: 2020-05-05. Review status: criteria provided, single submitter. Criteria: ACMG Guidelines, 2015. Collection method: clinical testing. Allele origin: germline.

Molecular Diagnostic Laboratory for Inherited Cardiovascular Disease, Montreal Heart Institute
Classification: Uncertain significance for Primary familial dilated cardiomyopathy. Last evaluated: 2017-03-30. Review status: criteria provided, single submitter. Criteria: ACMG Guidelines, 2015. Collection method: clinical testing. Allele origin: germline. Affected: yes.

NM_001368067.1(LDB3):c.370C>A (p.Pro124Thr)

Genes: LDB3 (LIM domain binding 3; plus strand), LOC110121486 (VISTA enhancer hs2143; plus strand). Cytogenetic location: 10q23.2.
Variant type: single nucleotide variant.
Coding change: c.370C>A on transcript NM_001368067.1 (MANE Plus Clinical); coding-DNA position 370, C replaced by A.
Protein change: p.Pro124Thr; replaces proline 124 with threonine.
Molecular consequence: missense variant. On other transcripts: intron variant (5).
Genome position (GRCh38, 1-based): chr10:86,687,094, C>A. VCF-style: chr10-86687094-C-A. GRCh37 (hg19) VCF-style: chr10-88446851-C-A.
Other names: p.P124T:CCC>ACC; c.370C>A, p.Pro124Thr (NM_001080114.2, NM_001080116.1, NM_001368066.1 and 1 more transcripts); c.715C>A, p.Pro239Thr (NM_001171610.2, NM_001171611.2); c.690-4802C>A (NM_001368064.1, NM_001368063.1, NM_007078.3 and 2 more transcripts); short protein forms P124T, P239T.
Identifiers: ClinVar variation 201860 (VCV000201860.20), dbSNP rs755513516, ClinGen allele CA308671.
Genomic context (GRCh38, chr10:86,687,094, plus strand): 5'-CTCTCCCTGCCCGTACTCCCGCACCCCTCCCCCAGCGCCGACTACCAGGAACGCTTCAAC[C>A]CCAGTGCCCTGAAGGACTCGGCCCTGTCCACCCACAAGCCCATCGAGGTGAAGGGGCTGG-3'
Protein context (NP_001354996.1, residues 114-134): ANADYQERFN[Pro124Thr]SALKDSALST